The following is an entry in ClinVar:

NM_001080.3(ALDH5A1):c.913A>G (p.Met305Val)

Gene: ALDH5A1 (aldehyde dehydrogenase 5 family member A1; plus strand). Cytogenetic location: 6p22.3.
Variant type: single nucleotide variant.
Coding change: c.913A>G on transcript NM_001080.3 (MANE Select); coding-DNA position 913, A replaced by G.
Protein change: p.Met305Val; replaces methionine 305 with valine.
Molecular consequence: missense variant.
Genome position (GRCh38, 1-based): chr6:24,520,443, A>G. VCF-style: chr6-24520443-A-G. GRCh37 (hg19) VCF-style: chr6-24520671-A-G.
Other names: c.769A>G, p.Met257Val (NM_001368954.1); c.952A>G, p.Met318Val (NM_170740.1); short protein forms M305V, M318V, M257V.
Identifiers: ClinVar variation 2713462 (VCV002713462.1), dbSNP rs2127387286, ClinGen allele CA362974120.
Genomic context (GRCh38, chr6:24,520,443, plus strand): 5'-TCTCTCCTCTGCTCACAGATCCTGTTGCACCACGCAGCAAACTCTGTGAAAAGGGTCTCT[A>G]TGGAGCTGGGCGGCCTTGCTCCATTTATAGTATTTGACAGTGCCAACGTGGACCAGGCTG-3'
Protein context (NP_001071.1, residues 295-315): HAANSVKRVS[Met305Val]ELGGLAPFIV

ClinVar aggregate classification (germline): Uncertain significance (1 of 4 stars; one submission).

Conditions:
Succinate-semialdehyde dehydrogenase deficiency (SSADHD). Also called: 4-HYDROXYBUTYRIC ACIDURIA; GABA METABOLIC DEFECT; SSADH DEFICIENCY; Succinic Semialdehyde Dehydrogenase Deficiency. Identifiers: Orphanet 22, MedGen C0268631, MONDO:0010083, OMIM 271980.

Submission:

Labcorp Genetics (formerly Invitae), Labcorp
Classification: Uncertain significance for Succinate-semialdehyde dehydrogenase deficiency. Last evaluated: 2024-01-27. Review status: criteria provided, single submitter. Criteria: Invitae Variant Classification Sherloc (09022015). Collection method: clinical testing. Allele origin: germline.
Comment: This sequence change replaces methionine, which is neutral and non-polar, with valine, which is neutral and non-polar, at codon 305 of the ALDH5A1 protein (p.Met305Val). This variant is not present in population databases (gnomAD no frequency). This variant has not been reported in the literature in individuals affected with ALDH5A1-related conditions. Advanced modeling of protein sequence and biophysical properties (such as structural, functional, and spatial information, amino acid conservation, physicochemical variation, residue mobility, and thermodynamic stability) has been performed at Invitae for this missense variant, however the output from this modeling did not meet the statistical confidence thresholds required to predict the impact of this variant on ALDH5A1 protein function. In summary, the available evidence is currently insufficient to determine the role of this variant in disease. Therefore, it has been classified as a Variant of Uncertain Significance.